The following is an entry in ClinVar:

NM_139058.3(ARX):c.995_1015del (p.Arg332_Tyr338del)

Gene: ARX (aristaless related homeobox; minus strand). Cytogenetic location: Xp21.3.
Variant type: Deletion.
Coding change: c.995_1015del on transcript NM_139058.3 (MANE Select); coding-DNA positions 995 to 1015, 21 bases deleted (GCACCACGTTCACCAGCTACC).
Protein change: p.Arg332_Tyr338del.
Genome position (GRCh38, 1-based): chrX:25,012,980-25,013,000, GGTAGCTGGTGAACGTGGTGC deleted on the plus strand (GCACCACGTTCACCAGCTACC on the coding strand, the reverse complement: ARX is on the minus strand); deleting any 21 consecutive bases within chrX:25,012,980-25,013,006 gives the same sequence; the c. name uses the placement nearest the transcript's 3' end. VCF-style (leftmost placement, unchanged base first): chrX-25012979-TGGTAGCTGGTGAACGTGGTGC-T. GRCh37 (hg19) VCF-style: chrX-25031096-TGGTAGCTGGTGAACGTGGTGC-T.
Identifiers: ClinVar variation 3747863 (VCV003747863.1).

ClinVar aggregate classification (germline): Likely pathogenic (1 of 4 stars; one submission).

Conditions:
X-linked lissencephaly with abnormal genitalia. Identifiers: Orphanet 452, MedGen C1846171, MONDO:0010268, OMIM 300215.

Submission:

Department of Medical Genetics, Sanjay Gandhi Post Graduate Institute of Medical Sciences
Classification: Likely pathogenic for X-linked lissencephaly with abnormal genitalia. Last evaluated: 2023-08-03. Review status: criteria provided, single submitter. Criteria: ACMG Guidelines, 2015. Collection method: research. Allele origin: inherited. Inheritance: X-linked recessive inheritance. Affected: yes. Observed: 1 hemizygote.
Comment: This hemizygous 21 bp deletion is expected to disrupt ARX protein function. This variant p.R332_ Y338del causes shortening of protein length. Insilico analysis shows damaging and classified as likely pathogenic (PVS1, PM2, PM4, PM1) in ACMG classification.